The following is an entry in ClinVar:

ClinVar aggregate classification (germline): Uncertain significance (1 of 4 stars; one submission).

Conditions:
Severe combined immunodeficiency due to LCK deficiency. Also called: Immunodeficiency 22. Identifiers: Orphanet 280142, MedGen C4014233, MONDO:0014334, OMIM 615758.

Submission:

Labcorp Genetics (formerly Invitae), Labcorp
Classification: Uncertain significance for Severe combined immunodeficiency due to LCK deficiency. Last evaluated: 2021-09-26. Review status: criteria provided, single submitter. Criteria: Invitae Variant Classification Sherloc (09022015). Collection method: clinical testing. Allele origin: germline.
Comment: Algorithms developed to predict the effect of sequence changes on RNA splicing suggest that this variant may disrupt the consensus splice site. In summary, the available evidence is currently insufficient to determine the role of this variant in disease. Therefore, it has been classified as a Variant of Uncertain Significance. Algorithms developed to predict the effect of missense changes on protein structure and function (SIFT, PolyPhen-2, Align-GVGD) all suggest that this variant is likely to be disruptive. This variant has not been reported in the literature in individuals affected with LCK-related conditions. This variant is not present in population databases (ExAC no frequency). This sequence change replaces glycine with alanine at codon 262 of the LCK protein (p.Gly262Ala). The glycine residue is highly conserved and there is a small physicochemical difference between glycine and alanine.

NM_005356.5(LCK):c.785G>C (p.Gly262Ala)

Gene: LCK (LCK proto-oncogene, Src family tyrosine kinase; plus strand). Cytogenetic location: 1p35.2.
Variant type: single nucleotide variant.
Coding change: c.785G>C on transcript NM_005356.5 (MANE Select); coding-DNA position 785, G replaced by C.
Protein change: p.Gly262Ala; replaces glycine 262 with alanine.
Molecular consequence: missense variant.
Genome position (GRCh38, 1-based): chr1:32,276,607, G>C. VCF-style: chr1-32276607-G-C. GRCh37 (hg19) VCF-style: chr1-32742208-G-C.
Other names: c.785G>C, p.Gly262Ala (NM_001042771.3); c.632G>C, p.Arg211Thr (NM_001330468.2); short protein forms R211T, G262A.
Identifiers: ClinVar variation 1492970 (VCV001492970.6), dbSNP rs2124359006, ClinGen allele CA339639546.